The following is an entry in ClinVar:

NM_001322059.2(PDE1C):c.139C>G (p.Pro47Ala)

Gene: PDE1C (phosphodiesterase 1C; minus strand). Cytogenetic location: 7p14.3.
Variant type: single nucleotide variant.
Coding change: c.139C>G on transcript NM_001322059.2; coding-DNA position 139, C replaced by G.
Protein change: p.Pro47Ala; replaces proline 47 with alanine.
Molecular consequence: missense variant.
Genome position (GRCh38, 1-based): chr7:32,427,993, G>C on the plus strand (C>G on the coding strand, the complement: PDE1C is on the minus strand). VCF-style: chr7-32427993-G-C. GRCh37 (hg19) VCF-style: chr7-32467605-G-C.
Other names: short protein forms P47A.
Identifiers: ClinVar variation 4986730 (VCV004986730.1).
Genomic context (GRCh38, chr7:32,427,993, plus strand): 5'-CCGCGGGCTGTGCCTCACAGGCTACGGGAGGGGAGAGTGTCTCCCCACGCCGGGGTCCCG[G>C]CCTCTGGGTTTTAGGGAGCGCGAATGGGTCTCCGACAGCAACGGGAGCAGCCGGTGGCGC-3'

ClinVar aggregate classification (germline): Uncertain significance (1 of 4 stars; one submission).

Conditions:
PDE1C-related disorder. Also called: PDE1C-related condition.

Submission:

PreventionGenetics, part of Exact Sciences
Classification: Uncertain significance for PDE1C-related condition. Last evaluated: 2026-03-09. Review status: criteria provided, single submitter. Criteria: ACMG Guidelines, 2015. Collection method: clinical testing. Allele origin: germline.
Comment: The PDE1C c.139C>G variant is predicted to result in the amino acid substitution p.Pro47Ala. Of note, using an alternate transcript (NM_001191058), this variant is c.-129258C>G located in the pre-coding region. To our knowledge, this variant has not been reported in the literature or in a large population database (gnomAD), indicating this variant is rare. At this time, the clinical significance of this variant is uncertain due to the absence of conclusive functional and genetic evidence.